The following is an entry in ClinVar:

ClinVar aggregate classification (germline): Pathogenic. Review status: criteria provided, multiple submitters, no conflicts (2 of 4 stars). 2 submissions from 2 submitters: Pathogenic (2). Last evaluated 2024-05-01.

Conditions:
Multiple endocrine neoplasia, type 1 (MEN1). Also called: MEN I; WERMER SYNDROME; Endocrine adenomatosis multiple; MEN 1; MEA I. Identifiers: Orphanet 652, MedGen C0025267, MeSH D018761, MONDO:0007540, OMIM 131100.
Hereditary cancer-predisposing syndrome. Also called: Hereditary Cancer Syndrome; Neoplastic Syndromes, Hereditary; Hereditary neoplastic syndrome; Tumor predisposition. Identifiers: Orphanet 140162, MedGen C0027672, MeSH D009386, MONDO:0015356.

Submissions (2):

Labcorp Genetics (formerly Invitae), Labcorp
Classification: Pathogenic for Multiple endocrine neoplasia, type 1. Last evaluated: 2024-05-01. Review status: criteria provided, single submitter. Criteria: Invitae Variant Classification Sherloc (09022015). Collection method: clinical testing. Allele origin: germline.
Comment: This sequence change creates a premature translational stop signal (p.Gln339*) in the MEN1 gene. It is expected to result in an absent or disrupted protein product. Loss-of-function variants in MEN1 are known to be pathogenic (PMID: 12112656, 17853334). This variant is not present in population databases (gnomAD no frequency). This premature translational stop signal has been observed in individual(s) with MEN1-related conditions (PMID: 15714081). ClinVar contains an entry for this variant (Variation ID: 822013). Algorithms developed to predict the effect of sequence changes on RNA splicing suggest that this variant may disrupt the consensus splice site. For these reasons, this variant has been classified as Pathogenic.

Ambry Genetics
Classification: Pathogenic for Hereditary cancer-predisposing syndrome. Last evaluated: 2023-01-09. Review status: criteria provided, single submitter. Criteria: Ambry Variant Classification Scheme 2023. Collection method: clinical testing. Allele origin: germline.
Comment: The p.Q339* variant (also known as c.1015C>T), located in coding exon 6 of the MEN1 gene, results from a C to T substitution at nucleotide position 1015. This changes the amino acid from a glutamine to a stop codon within coding exon 6. This alteration was detected in one family with features of multiple endocrine neoplasia type 1 (MEN1) (Klein RD et al. Genet. Med., 2005 Feb;7:131-8). In addition to the clinical data, this alteration is expected to result in loss of function by premature protein truncation or nonsense-mediated mRNA decay. As such, this alteration is interpreted as a disease-causing mutation.

Literature cited by the submitters: PubMed 12112656 (cited by Labcorp Genetics (formerly Invitae), Labcorp); PubMed 17853334 (cited by Labcorp Genetics (formerly Invitae), Labcorp); PubMed 15714081 (cited by Labcorp Genetics (formerly Invitae), Labcorp and Ambry Genetics).

NM_001370259.2(MEN1):c.1015C>T (p.Gln339Ter)

Gene: MEN1 (menin 1; minus strand). Cytogenetic location: 11q13.1.
Variant type: single nucleotide variant.
Coding change: c.1015C>T on transcript NM_001370259.2 (MANE Select); coding-DNA position 1015, C replaced by T.
Protein change: p.Gln339Ter; replaces glutamine 339 with a stop codon.
Molecular consequence: nonsense.
Genome position (GRCh38, 1-based): chr11:64,806,266, G>A on the plus strand (C>T on the coding strand, the complement: MEN1 is on the minus strand). VCF-style: chr11-64806266-G-A. GRCh37 (hg19) VCF-style: chr11-64573738-G-A.
Other names: c.1030C>T, p.Gln344Ter (NM_130802.3, NM_130803.3, NM_130804.3 and 3 more transcripts); c.1015C>T, p.Gln339Ter (NM_001370251.2, NM_001370260.2, NM_001370261.2 and 1 more transcripts); c.910C>T, p.Gln304Ter (NM_001370262.2, NM_001370263.2); short protein forms Q344*, Q304*, Q339*.
Identifiers: ClinVar variation 822013 (VCV000822013.8), dbSNP rs1592643178, ClinGen allele CA381183245.